The following is an entry in ClinVar:

ClinVar aggregate classification (germline): Pathogenic (1 of 4 stars; one submission).

Conditions:
Nemaline myopathy 9 (NEM9). Identifiers: MedGen C3810384, MONDO:0014326, OMIM 615731.

Submission:

Labcorp Genetics (formerly Invitae), Labcorp
Classification: Pathogenic for Nemaline myopathy 9. Last evaluated: 2024-10-17. Review status: criteria provided, single submitter. Criteria: Invitae Variant Classification Sherloc (09022015). Collection method: clinical testing. Allele origin: germline.
Comment: This sequence change creates a premature translational stop signal (p.Gln365*) in the KLHL41 gene. It is expected to result in an absent or disrupted protein product. Loss-of-function variants in KLHL41 are known to be pathogenic (PMID: 24268659). This variant is present in population databases (rs554843637, gnomAD 0.003%). This variant has not been reported in the literature in individuals affected with KLHL41-related conditions. For these reasons, this variant has been classified as Pathogenic.

Literature cited by the submitters: PubMed 24268659.

NM_006063.3(KLHL41):c.1093C>T (p.Gln365Ter)

Gene: KLHL41 (kelch like family member 41; plus strand). Cytogenetic location: 2q31.1.
Variant type: single nucleotide variant.
Coding change: c.1093C>T on transcript NM_006063.3 (MANE Select); coding-DNA position 1093, C replaced by T.
Protein change: p.Gln365Ter; replaces glutamine 365 with a stop codon.
Molecular consequence: nonsense.
Genome position (GRCh38, 1-based): chr2:169,510,871, C>T. VCF-style: chr2-169510871-C-T. GRCh37 (hg19) VCF-style: chr2-170367381-C-T.
Other names: short protein forms Q365*.
Identifiers: ClinVar variation 3730222 (VCV003730222.2).